The following is an entry in ClinVar:

ClinVar aggregate classification (germline): Uncertain significance (1 of 4 stars; one submission).

Allele frequency attached by ClinVar (database versions not stated): TOPMed 0.00001; ExAC 0.00003; gnomAD exomes 0.00006 and 0.00008; gnomAD 0.00009 and 0.00011.

Submission:

Labcorp Genetics (formerly Invitae), Labcorp
Classification: Uncertain significance. Last evaluated: 2025-10-01. Review status: criteria provided, single submitter. Criteria: Invitae Variant Classification Sherloc (09022015). Collection method: clinical testing. Allele origin: germline.
Comment: This sequence change replaces histidine, which is basic and polar, with leucine, which is neutral and non-polar, at codon 601 of the CCDC141 protein (p.His601Leu). This variant is present in population databases (rs758351340, gnomAD 0.09%), and has an allele count higher than expected for a pathogenic variant. This variant has not been reported in the literature in individuals affected with CCDC141-related conditions. ClinVar contains an entry for this variant (Variation ID: 1374755). An algorithm developed to predict the effect of missense changes on protein structure and function (PolyPhen-2) suggests that this variant is likely to be tolerated. In summary, the available evidence is currently insufficient to determine the role of this variant in disease. Therefore, it has been classified as a Variant of Uncertain Significance.

NM_173648.4(CCDC141):c.1802A>T (p.His601Leu)

Gene: CCDC141 (coiled-coil domain containing 141; minus strand). Cytogenetic location: 2q31.2.
Variant type: single nucleotide variant.
Coding change: c.1802A>T on transcript NM_173648.4 (MANE Select); coding-DNA position 1802, A replaced by T.
Protein change: p.His601Leu; replaces histidine 601 with leucine.
Molecular consequence: missense variant.
Genome position (GRCh38, 1-based): chr2:178,878,061, T>A on the plus strand (A>T on the coding strand, the complement: CCDC141 is on the minus strand). VCF-style: chr2-178878061-T-A. GRCh37 (hg19) VCF-style: chr2-179742788-T-A.
Other names: c.1802A>T, p.His601Leu (NM_001316745.2); short protein forms H601L.
Identifiers: ClinVar variation 1374755 (VCV001374755.6), dbSNP rs758351340, ClinGen allele CA2007196.